The following is an entry in ClinVar:

ClinVar aggregate classification (germline): Uncertain significance (1 of 4 stars; one submission).

gnomAD v4.1: 16 of 1,612,744 alleles (0.00099%); highest among the groups gnomAD compares: Non-Finnish European, 0.0014%; no homozygotes.

Submission:

Labcorp Genetics (formerly Invitae), Labcorp
Classification: Uncertain significance. Last evaluated: 2025-06-10. Review status: criteria provided, single submitter. Criteria: Invitae Variant Classification Sherloc (09022015). Collection method: clinical testing. Allele origin: germline.
Comment: This sequence change replaces alanine, which is neutral and non-polar, with threonine, which is neutral and polar, at codon 1049 of the ALPK1 protein (p.Ala1049Thr). This variant is present in population databases (rs765082458, gnomAD 0.002%). This variant has not been reported in the literature in individuals affected with ALPK1-related conditions. Invitae Evidence Modeling of protein sequence and biophysical properties (such as structural, functional, and spatial information, amino acid conservation, physicochemical variation, residue mobility, and thermodynamic stability) indicates that this missense variant is expected to disrupt ALPK1 protein function with a positive predictive value of 80%. In summary, the available evidence is currently insufficient to determine the role of this variant in disease. Therefore, it has been classified as a Variant of Uncertain Significance.

NM_025144.4(ALPK1):c.3145G>A (p.Ala1049Thr)

Gene: ALPK1 (alpha kinase 1; plus strand). Cytogenetic location: 4q25.
Variant type: single nucleotide variant.
Coding change: c.3145G>A on transcript NM_025144.4 (MANE Select); coding-DNA position 3145, G replaced by A.
Protein change: p.Ala1049Thr; replaces alanine 1049 with threonine.
Molecular consequence: missense variant.
Genome position (GRCh38, 1-based): chr4:112,435,258, G>A. VCF-style: chr4-112435258-G-A. GRCh37 (hg19) VCF-style: chr4-113356414-G-A.
Other names: c.3145G>A, p.Ala1049Thr (NM_001102406.2); c.2911G>A, p.Ala971Thr (NM_001253884.2); short protein forms A1049T, A971T.
Identifiers: ClinVar variation 4751790 (VCV004751790.1).